The following is an entry in ClinVar:

NM_000257.4(MYH7):c.1117G>A (p.Ala373Thr)

Gene: MYH7 (myosin heavy chain 7; minus strand). Cytogenetic location: 14q11.2.
Variant type: single nucleotide variant.
Coding change: c.1117G>A on transcript NM_000257.4 (MANE Select); coding-DNA position 1117, G replaced by A.
Protein change: p.Ala373Thr; replaces alanine 373 with threonine.
Molecular consequence: missense variant.
Genome position (GRCh38, 1-based): chr14:23,429,796, C>T on the plus strand (G>A on the coding strand, the complement: MYH7 is on the minus strand). VCF-style: chr14-23429796-C-T. GRCh37 (hg19) VCF-style: chr14-23899005-C-T.
Other names: short protein forms A373T.
Identifiers: ClinVar variation 1317188 (VCV001317188.2), dbSNP rs2138677260, ClinGen allele CA389051318.

ClinVar aggregate classification (germline): Uncertain significance (1 of 4 stars; one submission).

Submission:

GeneDx
Classification: Uncertain significance. Last evaluated: 2019-07-09. Review status: criteria provided, single submitter. Criteria: GeneDx Variant Classification Process June 2021. Collection method: clinical testing. Allele origin: germline. Affected: yes.
Comment: Has not been previously published as pathogenic or benign to our knowledge; Not observed in large population cohorts (Lek et al., 2016); In silico analysis, which includes protein predictors and evolutionary conservation, supports a deleterious effect